The following is an entry in ClinVar:

NM_001312909.2(FAM111A):c.166C>G (p.Gln56Glu)

Gene: FAM111A (FAM111 trypsin like peptidase A; plus strand). Cytogenetic location: 11q12.1.
Variant type: single nucleotide variant.
Coding change: c.166C>G on transcript NM_001312909.2 (MANE Select); coding-DNA position 166, C replaced by G.
Protein change: p.Gln56Glu; replaces glutamine 56 with glutamic acid.
Molecular consequence: missense variant.
Genome position (GRCh38, 1-based): chr11:59,151,834, C>G. VCF-style: chr11-59151834-C-G. GRCh37 (hg19) VCF-style: chr11-58919307-C-G.
Other names: c.166C>G, p.Gln56Glu (NM_001142519.3, NM_001142520.3, NM_001142521.3 and 29 more transcripts); short protein forms Q56E.
Identifiers: ClinVar variation 1952168 (VCV001952168.5), dbSNP rs771190325, ClinGen allele CA6016516.

ClinVar aggregate classification (germline): Uncertain significance (1 of 4 stars; one submission).

Allele frequency attached by ClinVar (database versions not stated): ExAC 0.00001; gnomAD 0.00001; TOPMed 0.00001; gnomAD exomes 0.00007.
gnomAD v4.1: 97 of 1,613,920 alleles (0.006%); highest among the groups gnomAD compares: Non-Finnish European, 0.0081%; no homozygotes.

Submission:

Labcorp Genetics (formerly Invitae), Labcorp
Classification: Uncertain significance. Last evaluated: 2025-08-08. Review status: criteria provided, single submitter. Criteria: Invitae Variant Classification Sherloc (09022015). Collection method: clinical testing. Allele origin: germline.
Comment: This sequence change replaces glutamine, which is neutral and polar, with glutamic acid, which is acidic and polar, at codon 56 of the FAM111A protein (p.Gln56Glu). This variant is present in population databases (rs771190325, gnomAD 0.002%). This variant has not been reported in the literature in individuals affected with FAM111A-related conditions. ClinVar contains an entry for this variant (Variation ID: 1952168). An algorithm developed to predict the effect of missense changes on protein structure and function (PolyPhen-2) suggests that this variant is likely to be disruptive. In summary, the available evidence is currently insufficient to determine the role of this variant in disease. Therefore, it has been classified as a Variant of Uncertain Significance.